The following is an entry in ClinVar:

ClinVar aggregate classification (germline): Benign (1 of 4 stars; one submission).

Conditions:
Breast-ovarian cancer, familial, susceptibility to, 4. Identifiers: Orphanet 145, MedGen C3280345, MONDO:0013669, OMIM 614291.

Submission:

Myriad Genetics, Inc.
Classification: Benign for Breast-ovarian cancer, familial, susceptibility to, 4. Last evaluated: 2025-02-20. Review status: criteria provided, single submitter. Criteria: Myriad Autosomal Dominant, Autosomal Recessive and X-Linked Classification Criteria (2023). Collection method: clinical testing. Allele origin: unknown.
Comment: This variant is considered benign. This variant is a silent/synonymous amino acid change and it is not expected to impact splicing.

NM_002878.4(RAD51D):c.207T>A (p.Ala69=)

Genes: RAD51L3-RFFL (RAD51L3-RFFL readthrough; minus strand), RAD51D (RAD51 paralog D; minus strand). Cytogenetic location: 17q12.
Variant type: single nucleotide variant.
Coding change: c.207T>A on transcript NM_002878.4 (MANE Select); coding-DNA position 207, T replaced by A.
Protein change: p.Ala69=; no amino-acid change (alanine 69 retained).
Molecular consequence: synonymous variant. On other transcripts: intron variant (2).
Genome position (GRCh38, 1-based): chr17:35,118,557, A>T on the plus strand (T>A on the coding strand, the complement: RAD51D is on the minus strand). VCF-style: chr17-35118557-A-T. GRCh37 (hg19) VCF-style: chr17-33445576-A-T.
Other names: c.144+554T>A (NM_133629.3, NM_001142571.2).
Identifiers: ClinVar variation 3904032 (VCV003904032.1).